The following is an entry in ClinVar:

ClinVar aggregate classification (germline): Uncertain significance (1 of 4 stars; one submission).

Conditions:
HMCN1-related disorder. Also called: HMCN1-related condition.

gnomAD v4.1: 3 of 1,613,652 alleles (0.00019%); highest among the groups gnomAD compares: African/African-American, 0.0027%; no homozygotes.

Submission:

PreventionGenetics, part of Exact Sciences
Classification: Uncertain significance for HMCN1-related condition. Last evaluated: 2026-02-19. Review status: criteria provided, single submitter. Criteria: ACMG Guidelines, 2015. Collection method: clinical testing. Allele origin: germline.
Comment: The HMCN1 c.10399A>G variant is predicted to result in the amino acid substitution p.Met3467Val. To our knowledge, this variant has not been reported in the literature or in a large population database (gnomAD), indicating this variant is rare. At this time, the clinical significance of this variant is uncertain due to the absence of conclusive functional and genetic evidence.

NM_031935.3(HMCN1):c.10399A>G (p.Met3467Val)

Gene: HMCN1 (hemicentin 1; plus strand). Cytogenetic location: 1q31.1.
Variant type: single nucleotide variant.
Coding change: c.10399A>G on transcript NM_031935.3 (MANE Select); coding-DNA position 10399, A replaced by G.
Protein change: p.Met3467Val; replaces methionine 3467 with valine.
Molecular consequence: missense variant.
Genome position (GRCh38, 1-based): chr1:186,095,347, A>G. VCF-style: chr1-186095347-A-G. GRCh37 (hg19) VCF-style: chr1-186064479-A-G.
Other names: short protein forms M3467V.
Identifiers: ClinVar variation 4987411 (VCV004987411.1).